The following is an entry in ClinVar:

ClinVar aggregate classification (germline): Uncertain significance (1 of 4 stars; one submission).

Submission:

CeGaT Center for Human Genetics Tuebingen
Classification: Uncertain significance. Last evaluated: 2026-05-01. Review status: criteria provided, single submitter. Criteria: CeGaT Center For Human Genetics Tuebingen Variant Classification Criteria Version 2. Collection method: clinical testing. Allele origin: germline. Affected: yes. Observed: 1 variant allele.
Comment: NAA15: PM2

NM_057175.5(NAA15):c.750G>C (p.Leu250Phe)

Gene: NAA15 (N-alpha-acetyltransferase 15, NatA auxiliary subunit; plus strand). Cytogenetic location: 4q31.1.
Variant type: single nucleotide variant.
Coding change: c.750G>C on transcript NM_057175.5 (MANE Select); coding-DNA position 750, G replaced by C.
Protein change: p.Leu250Phe; replaces leucine 250 with phenylalanine.
Molecular consequence: missense variant.
Genome position (GRCh38, 1-based): chr4:139,349,520, G>C. VCF-style: chr4-139349520-G-C. GRCh37 (hg19) VCF-style: chr4-140270674-G-C.
Other names: c.750G>C, p.Leu250Phe (NM_001410842.1); short protein forms L250F.
Identifiers: ClinVar variation 4875011 (VCV004875011.2).